The following is an entry in ClinVar:

ClinVar aggregate classification (germline): Uncertain significance (1 of 4 stars; one submission).

Conditions:
Intellectual developmental disorder with autism and macrocephaly. Also called: CHD8-Related Neurodevelopmental Disorder with Overgrowth; Autism, susceptibility to, 18. Identifiers: Orphanet 642675, MedGen C3554373, MONDO:0014017, OMIM 615032.

Submission:

Clinical Genomics Laboratory, Washington University in St. Louis
Classification: Uncertain significance for Intellectual developmental disorder with autism and macrocephaly. Last evaluated: 2024-12-19. Review status: criteria provided, single submitter. Criteria: ACMG Guidelines, 2015. Collection method: clinical testing. Allele origin: germline.
Comment: The CHD8 c.4028T>C (p.Ile1343Thr) variant, to our knowledge, has not been reported in the medical literature and is absent from the general population (gnomAD v.2.1.1), indicating it is not a common variant. This variant lies outside the helicase C-terminal domain of CHD8 that is defined as a critical functional domain (An Y et al., PMID: 31980904). Computational predictors indicate that the variant is damaging, evidence that correlates with impact to CHD8 function. Due to limited information, and based on ACMG/AMP guidelines for variant interpretation (Richards S et al., PMID: 25741868), the clinical significance of this variant is uncertain at this time.

NM_001170629.2(CHD8):c.4028T>C (p.Ile1343Thr)

Gene: CHD8 (chromodomain helicase DNA binding protein 8; minus strand). Cytogenetic location: 14q11.2.
Variant type: single nucleotide variant.
Coding change: c.4028T>C on transcript NM_001170629.2 (MANE Select); coding-DNA position 4028, T replaced by C.
Protein change: p.Ile1343Thr; replaces isoleucine 1343 with threonine.
Molecular consequence: missense variant.
Genome position (GRCh38, 1-based): chr14:21,401,991, A>G on the plus strand (T>C on the coding strand, the complement: CHD8 is on the minus strand). VCF-style: chr14-21401991-A-G. GRCh37 (hg19) VCF-style: chr14-21870150-A-G.
Other names: c.3191T>C, p.Ile1064Thr (NM_020920.4); short protein forms I1064T, I1343T.
Identifiers: ClinVar variation 3600536 (VCV003600536.1).